The following is an entry in ClinVar:

ClinVar aggregate classification (germline): Uncertain significance (1 of 4 stars; one submission).

Conditions:
Neuropathy, hereditary sensory and autonomic, type 2A (HSAN2A). Also called: HSAN IIA; WNK1-Related HSAN2 (HSAN2A); ACROOSTEOLYSIS, GIACCAI TYPE; ACROOSTEOLYSIS, NEUROGENIC; MORVAN DISEASE; NEUROPATHY, CONGENITAL SENSORY. Identifiers: Orphanet 970, MedGen C2752089, MONDO:0024309, OMIM 201300.
Pseudohypoaldosteronism type 2C (PHA2C). Also called: Pseudohypoaldosteronism Type IIC. Identifiers: Orphanet 757, Orphanet 88940, MedGen C1840391, MONDO:0013778, OMIM 614492.

gnomAD v4.1: 2 of 1,614,108 alleles (0.00012%); highest among the groups gnomAD compares: South Asian, 0.0022%; no homozygotes.

Submission:

Labcorp Genetics (formerly Invitae), Labcorp
Classification: Uncertain significance for Neuropathy, hereditary sensory and autonomic, type 2A; Pseudohypoaldosteronism type 2C. Last evaluated: 2024-01-15. Review status: criteria provided, single submitter. Criteria: Invitae Variant Classification Sherloc (09022015). Collection method: clinical testing. Allele origin: germline.
Comment: This sequence change replaces valine, which is neutral and non-polar, with leucine, which is neutral and non-polar, at codon 1228 of the WNK1 protein (p.Val1228Leu). This variant is present in population databases (no rsID available, gnomAD 0.003%). This variant has not been reported in the literature in individuals affected with WNK1-related conditions. Advanced modeling of protein sequence and biophysical properties (such as structural, functional, and spatial information, amino acid conservation, physicochemical variation, residue mobility, and thermodynamic stability) performed at Invitae indicates that this missense variant is not expected to disrupt WNK1 protein function with a negative predictive value of 95%. In summary, the available evidence is currently insufficient to determine the role of this variant in disease. Therefore, it has been classified as a Variant of Uncertain Significance.

NM_018979.4(WNK1):c.2188G>C (p.Val730Leu)

Gene: WNK1 (WNK lysine deficient protein kinase 1; plus strand). Cytogenetic location: 12p13.33.
Variant type: single nucleotide variant.
Coding change: c.2188G>C on transcript NM_018979.4 (MANE Select); coding-DNA position 2188, G replaced by C.
Protein change: p.Val730Leu; replaces valine 730 with leucine.
Molecular consequence: missense variant.
Genome position (GRCh38, 1-based): chr12:871,313, G>C. VCF-style: chr12-871313-G-C. GRCh37 (hg19) VCF-style: chr12-980479-G-C.
Other names: c.3427G>C, p.Val1143Leu (NM_001184985.2); c.2188G>C, p.Val730Leu (NM_014823.3); c.3682G>C, p.Val1228Leu (NM_213655.5); short protein forms V1143L, V730L, V1228L.
Identifiers: ClinVar variation 2953561 (VCV002953561.3), dbSNP rs1290299901, ClinGen allele CA383342947.